The following is an entry in ClinVar:

ClinVar aggregate classification (germline): Uncertain significance (1 of 4 stars; one submission).

Allele frequency attached by ClinVar (database versions not stated): TOPMed below 0.00001.

Submission:

Greenwood Genetic Center Diagnostic Laboratories, Greenwood Genetic Center
Classification: Uncertain significance. Last evaluated: 2021-06-10. Review status: criteria provided, single submitter. Criteria: ACMG Guidelines, 2015. Collection method: clinical testing. Allele origin: germline. Affected: yes.
Comment: BP4, PM2

NM_018263.6(ASXL2):c.1241T>C (p.Val414Ala)

Gene: ASXL2 (ASXL transcriptional regulator 2; minus strand). Cytogenetic location: 2p23.3.
Variant type: single nucleotide variant.
Coding change: c.1241T>C on transcript NM_018263.6 (MANE Select); coding-DNA position 1241, T replaced by C.
Protein change: p.Val414Ala; replaces valine 414 with alanine.
Molecular consequence: missense variant.
Genome position (GRCh38, 1-based): chr2:25,750,315, A>G on the plus strand (T>C on the coding strand, the complement: ASXL2 is on the minus strand). VCF-style: chr2-25750315-A-G. GRCh37 (hg19) VCF-style: chr2-25973184-A-G.
Other names: c.1067T>C, p.Val356Ala (NM_001369346.1); c.461T>C, p.Val154Ala (NM_001369347.1); short protein forms V154A, V356A, V414A.
Identifiers: ClinVar variation 1334769 (VCV001334769.4), dbSNP rs2088023783, ClinGen allele CA346077190.
Genomic context (GRCh38, chr2:25,750,315, plus strand): 5'-TCTTCTTTACACTCTGACTGGGAGACTACTGGAACTATTCTGATAAGAGAGGCCTCTGAC[A>G]CAGGCATGGATTTTGGTTGTTCAGCTGGGGTTTTCTTTACTTTGGGATCACTGGGAGAAG-3'
Protein context (NP_060733.4, residues 404-424): TPAEQPKSMP[Val414Ala]SEASLIRIVP